The following is an entry in ClinVar:

ClinVar aggregate classification (germline): Uncertain significance (1 of 4 stars; one submission).

Conditions:
Inborn genetic diseases. Identifiers: MedGen C0950123, MeSH D030342.

Allele frequency attached by ClinVar (database versions not stated): gnomAD exomes below 0.00001.
gnomAD v4.1: 1 of 1,613,856 alleles (0.000062%); highest among the groups gnomAD compares: Non-Finnish European, 0.000085%; no homozygotes.

Submission:

Ambry Genetics
Classification: Uncertain significance for Inborn genetic diseases. Last evaluated: 2018-08-07. Review status: criteria provided, single submitter. Criteria: Ambry Variant Classification Scheme 2023. Collection method: clinical testing. Allele origin: germline.
Comment: The p.P28S variant (also known as c.82C>T), located in coding exon 2 of the TCF4 gene, results from a C to T substitution at nucleotide position 82. The proline at codon 28 is replaced by serine, an amino acid with similar properties. This amino acid position is highly conserved in available vertebrate species. In addition, the in silico prediction for this alteration is inconclusive. Since supporting evidence is limited at this time, the clinical significance of this alteration remains unclear.

NM_001083962.2(TCF4):c.82C>T (p.Pro28Ser)

Gene: TCF4 (transcription factor 4; minus strand). Cytogenetic location: 18q21.2.
Variant type: single nucleotide variant.
Coding change: c.82C>T on transcript NM_001083962.2 (MANE Select); coding-DNA position 82, C replaced by T.
Protein change: p.Pro28Ser; replaces proline 28 with serine.
Molecular consequence: missense variant.
Genome position (GRCh38, 1-based): chr18:55,585,343, G>A on the plus strand (C>T on the coding strand, the complement: TCF4 is on the minus strand). VCF-style: chr18-55585343-G-A. GRCh37 (hg19) VCF-style: chr18-53252574-G-A.
Other names: c.388C>T, p.Pro130Ser (NM_001243226.3); c.10C>T, p.Pro4Ser (NM_001243227.2, NM_001306207.1, NM_001348217.1 and 15 more transcripts); c.82C>T, p.Pro28Ser (NM_001243228.2, NM_001330604.3, NM_001369567.1 and 8 more transcripts); c.76C>T, p.Pro26Ser (NM_001243230.2); short protein forms P4S, P28S, P130S, P26S.
Identifiers: ClinVar variation 1762821 (VCV001762821.2), dbSNP rs2511886517, ClinGen allele CA402704136.
Genomic context (GRCh38, chr18:55,585,343, plus strand): 5'-AGCCAGTAAAATGTCCACTTGCCAAAGAAGTTGGTCCATTTTTCCCACTGCTCACAGGAG[G>A]TGAAAACATCTAAAAGAAACAAAGAAATATTACAGTTGAAAAGAAGACACTTGTGCCTTC-3'
Protein context (NP_001077431.1, residues 18-38): DLLDFSAMFS[Pro28Ser]PVSSGKNGPT